The following is an entry in ClinVar:

NM_000135.4(FANCA):c.115A>C (p.Arg39=)

Gene: FANCA (FA complementation group A; minus strand). Cytogenetic location: 16q24.3.
Variant type: single nucleotide variant.
Coding change: c.115A>C on transcript NM_000135.4 (MANE Select); coding-DNA position 115, A replaced by C.
Protein change: p.Arg39=; no amino-acid change (arginine 39 retained).
Molecular consequence: synonymous variant.
Genome position (GRCh38, 1-based): chr16:89,815,951, T>G on the plus strand (A>C on the coding strand, the complement: FANCA is on the minus strand). VCF-style: chr16-89815951-T-G. GRCh37 (hg19) VCF-style: chr16-89882359-T-G.
Other names: c.115A>C, p.Arg39= (NM_001018112.3, NM_001286167.3, NM_001351830.2); c.115A>C (LRG_495t1).
Identifiers: ClinVar variation 237033 (VCV000237033.27), dbSNP rs17232091, ClinGen allele CA8253169.

ClinVar aggregate classification (germline): Benign/Likely benign. Review status: criteria provided, multiple submitters, no conflicts (2 of 4 stars). 8 submissions from 8 submitters: Benign (6); Likely benign (2). Last evaluated 2026-02-03.

Conditions:
Inborn genetic diseases. Identifiers: MedGen C0950123, MeSH D030342.
Fanconi anemia (FA). Also called: Fanconi's anemia. Identifiers: Orphanet 84, MedGen C0015625, MeSH D005199, MONDO:0019391.
Fanconi anemia complementation group A (FANCA). Also called: FANCA-Related Fanconi Anemia; Fanconi anemia, group A. Identifiers: Orphanet 84, MedGen C3469521, MONDO:0009215, OMIM 227650.

Allele frequency attached by ClinVar (database versions not stated): gnomAD 0.00116 and 0.00164; TOPMed 0.00179; ExAC 0.00299; gnomAD exomes 0.00314 and 0.00100; 1000 Genomes Project 30x 0.00750; 1000 Genomes Project 0.00819; ESP Exome Variant Server 0.00008.
gnomAD v4.1: 1,815 of 1,614,092 alleles (0.11%); highest among the groups gnomAD compares: East Asian, 3.4%; 36 homozygotes.

Submissions (8):

Labcorp Genetics (formerly Invitae), Labcorp
Classification: Benign for Fanconi anemia. Last evaluated: 2026-02-03. Review status: criteria provided, single submitter. Criteria: Invitae Variant Classification Sherloc (09022015). Collection method: clinical testing. Allele origin: germline.

Quest Diagnostics Nichols Institute San Juan Capistrano
Classification: Benign. Last evaluated: 2025-09-19. Review status: criteria provided, single submitter. Criteria: Quest Diagnostics criteria. Collection method: clinical testing. Allele origin: unknown.

Ambry Genetics
Classification: Likely benign for Inborn genetic diseases. Last evaluated: 2024-10-04. Review status: criteria provided, single submitter. Criteria: Ambry Variant Classification Scheme 2023. Collection method: clinical testing. Allele origin: germline.

ARUP Laboratories, Molecular Genetics and Genomics, ARUP Laboratories
Classification: Benign for Fanconi anemia complementation group A. Last evaluated: 2024-06-19. Review status: criteria provided, single submitter. Criteria: ARUP Molecular Germline Variant Investigation Process 2024. Collection method: clinical testing. Allele origin: germline.

KCCC/NGS Laboratory, Kuwait Cancer Control Center
Classification: Benign for Fanconi anemia complementation group A. Last evaluated: 2023-07-07. Review status: criteria provided, single submitter. Criteria: ACMG Guidelines, 2015. Collection method: clinical testing. Allele origin: germline. Affected: yes.

Illumina Laboratory Services, Illumina
Classification: Benign for Fanconi anemia complementation group A. Last evaluated: 2018-01-12. Review status: criteria provided, single submitter. Criteria: ICSL Variant Classification Criteria 13 December 2019. Collection method: clinical testing. Allele origin: germline.
Comment: This variant was observed in the ICSL laboratory as part of a predisposition screen in an ostensibly healthy population. It had not been previously curated by ICSL or reported in the Human Gene Mutation Database (HGMD: prior to June 1st, 2018), and was therefore a candidate for classification through an automated scoring system. Utilizing variant allele frequency, disease prevalence and penetrance estimates, and inheritance mode, an automated score was calculated to assess if this variant is too frequent to cause the disease. Based on the score and internal cut-off values, a variant classified as benign is not then subjected to further curation. The score for this variant resulted in a classification of benign for this disease.

Genetic Services Laboratory, University of Chicago
Classification: Benign. Last evaluated: 2016-11-23. Review status: criteria provided, single submitter. Criteria: ACMG Guidelines, 2015. Collection method: clinical testing. Allele origin: germline. Affected: no.

PreventionGenetics, part of Exact Sciences
Classification: Likely benign. Review status: criteria provided, single submitter. Criteria: ACMG Guidelines, 2015. Collection method: clinical testing. Allele origin: germline.

Literature cited by the submitters: PubMed 38509102 (cited by Quest Diagnostics Nichols Institute San Juan Capistrano).